The following is an entry in ClinVar:

ClinVar aggregate classification (germline): Uncertain significance (1 of 4 stars; one submission).

Conditions:
Familial cold autoinflammatory syndrome 2 (FCAS2). Identifiers: Orphanet 247868, MedGen C2673198, MONDO:0012724, OMIM 611762.

gnomAD v4.1: 6 of 1,614,084 alleles (0.00037%); highest among the groups gnomAD compares: Non-Finnish European, 0.00051%; no homozygotes.

Submission:

Labcorp Genetics (formerly Invitae), Labcorp
Classification: Uncertain significance for Familial cold autoinflammatory syndrome 2. Last evaluated: 2025-10-11. Review status: criteria provided, single submitter. Criteria: Invitae Variant Classification Sherloc (09022015). Collection method: clinical testing. Allele origin: germline.
Comment: This sequence change replaces leucine, which is neutral and non-polar, with glutamine, which is neutral and polar, at codon 475 of the NLRP12 protein (p.Leu475Gln). This variant is not present in population databases (gnomAD no frequency). This variant has not been reported in the literature in individuals affected with NLRP12-related conditions. Invitae Evidence Modeling of protein sequence and biophysical properties (such as structural, functional, and spatial information, amino acid conservation, physicochemical variation, residue mobility, and thermodynamic stability) indicates that this missense variant is not expected to disrupt NLRP12 protein function with a negative predictive value of 80%. In summary, the available evidence is currently insufficient to determine the role of this variant in disease. Therefore, it has been classified as a Variant of Uncertain Significance.

NM_144687.4(NLRP12):c.1424T>A (p.Leu475Gln)

Gene: NLRP12 (NLR family pyrin domain containing 12; minus strand). Cytogenetic location: 19q13.42.
Variant type: single nucleotide variant.
Coding change: c.1424T>A on transcript NM_144687.4 (MANE Select); coding-DNA position 1424, T replaced by A.
Protein change: p.Leu475Gln; replaces leucine 475 with glutamine.
Molecular consequence: missense variant.
Genome position (GRCh38, 1-based): chr19:53,810,235, A>T on the plus strand (T>A on the coding strand, the complement: NLRP12 is on the minus strand). VCF-style: chr19-53810235-A-T. GRCh37 (hg19) VCF-style: chr19-54313489-A-T.
Other names: c.1424T>A, p.Leu475Gln (NM_001277126.2, NM_001277129.1); short protein forms L475Q.
Identifiers: ClinVar variation 4750181 (VCV004750181.1).